The following is an entry in ClinVar:

ClinVar aggregate classification (germline): Uncertain significance. Review status: criteria provided, multiple submitters, no conflicts (2 of 4 stars). 2 submissions from 2 submitters: Uncertain significance (2). Last evaluated 2025-04-06.

Conditions:
Inborn genetic diseases. Identifiers: MedGen C0950123, MeSH D030342.

Submissions (2):

Ambry Genetics
Classification: Uncertain significance for Inborn genetic diseases. Last evaluated: 2025-04-06. Review status: criteria provided, single submitter. Criteria: Ambry Variant Classification Scheme 2023. Collection method: clinical testing. Allele origin: germline.

Labcorp Genetics (formerly Invitae), Labcorp
Classification: Uncertain significance. Last evaluated: 2023-06-03. Review status: criteria provided, single submitter. Criteria: Invitae Variant Classification Sherloc (09022015). Collection method: clinical testing. Allele origin: germline.
Comment: This variant has not been reported in the literature in individuals affected with TBXAS1-related conditions. ClinVar contains an entry for this variant (Variation ID: 1430682). Algorithms developed to predict the effect of missense changes on protein structure and function output the following: SIFT: "Not Available"; PolyPhen-2: "Benign"; Align-GVGD: "Not Available". The lysine amino acid residue is found in multiple mammalian species, which suggests that this missense change does not adversely affect protein function. In summary, the available evidence is currently insufficient to determine the role of this variant in disease. Therefore, it has been classified as a Variant of Uncertain Significance. This variant is not present in population databases (gnomAD no frequency). This sequence change replaces asparagine, which is neutral and polar, with lysine, which is basic and polar, at codon 248 of the TBXAS1 protein (p.Asn248Lys).

NM_001061.7(TBXAS1):c.741C>G (p.Asn247Lys)

Gene: TBXAS1 (thromboxane A synthase 1; plus strand). Cytogenetic location: 7q34.
Variant type: single nucleotide variant.
Coding change: c.741C>G on transcript NM_001061.7 (MANE Select); coding-DNA position 741, C replaced by G.
Protein change: p.Asn247Lys; replaces asparagine 247 with lysine.
Molecular consequence: missense variant.
Genome position (GRCh38, 1-based): chr7:139,957,686, C>G. VCF-style: chr7-139957686-C-G. GRCh37 (hg19) VCF-style: chr7-139657485-C-G.
Other names: c.744C>G (NM_001061.4); c.741C>G, p.Asn247Lys (NM_001130966.5, NM_030984.6); c.879C>G, p.Asn293Lys (NM_001166253.4); c.540C>G, p.Asn180Lys (NM_001166254.4); c.684C>G, p.Asn228Lys (NM_001314028.4); c.558C>G, p.Asn186Lys (NM_001366537.3); short protein forms N228K, N247K, N186K, N180K, N293K.
Identifiers: ClinVar variation 1430682 (VCV001430682.9), dbSNP rs1339535067, ClinGen allele CA369582753.
Genomic context (GRCh38, chr7:139,957,686, plus strand): 5'-CTTTCAAGTATCATTTCCATCCATAATGGTCCCACTGGCCCGGATTTTGCCCAATAAGAA[C>G]CGAGACGAACTGAATGGCTTTTTTAACAAACTCATTAGGAATGTGATTGCCTTGCGGGAC-3'
Protein context (NP_001052.3, residues 237-257): VPLARILPNK[Asn247Lys]RDELNGFFNK